The following is an entry in ClinVar:

NM_000179.3(MSH6):c.1772C>T (p.Pro591Leu)

Gene: MSH6 (mutS homolog 6; plus strand). Cytogenetic location: 2p16.3.
Variant type: single nucleotide variant.
Coding change: c.1772C>T on transcript NM_000179.3 (MANE Select); coding-DNA position 1772, C replaced by T.
Protein change: p.Pro591Leu; replaces proline 591 with leucine.
Molecular consequence: missense variant.
Genome position (GRCh38, 1-based): chr2:47,799,755, C>T. VCF-style: chr2-47799755-C-T. GRCh37 (hg19) VCF-style: chr2-48026894-C-T.
Other names: c.1382C>T, p.Pro461Leu (NM_001281492.2); c.866C>T, p.Pro289Leu (NM_001281493.2, NM_001281494.2); short protein forms P289L, P461L, P591L.
Identifiers: ClinVar variation 653504 (VCV000653504.13), dbSNP rs1558662903, ClinGen allele CA346749168.
Genomic context (GRCh38, chr2:47,799,755, plus strand): 5'-GTCAGTTTTCAGATGATCGCCATTGTTCGAGATTTAGGACTCTAGTGGCACACTATCCCC[C>T]AGTACAAGTTTTATTTGAAAAAGGAAATCTCTCAAAGGAAACTAAAACAATTCTAAAGAG-3'
Protein context (NP_000170.1, residues 581-601): RFRTLVAHYP[Pro591Leu]VQVLFEKGNL

ClinVar aggregate classification (germline): Uncertain significance. Review status: criteria provided, multiple submitters, no conflicts (2 of 4 stars). 3 submissions from 3 submitters: Uncertain significance (3). Last evaluated 2024-02-07.

Conditions:
Hereditary nonpolyposis colorectal neoplasms. Identifiers: MedGen C0009405, MeSH D003123.
Hereditary cancer-predisposing syndrome. Also called: Neoplastic Syndromes, Hereditary; Tumor predisposition; Hereditary Cancer Syndrome; Hereditary neoplastic syndrome. Identifiers: Orphanet 140162, MedGen C0027672, MeSH D009386, MONDO:0015356.

Allele frequency attached by ClinVar (database versions not stated): gnomAD exomes below 0.00001.
gnomAD v4.1: 2 of 1,614,186 alleles (0.00012%); highest among the groups gnomAD compares: South Asian, 0.0011%; no homozygotes.

Submissions (3):

Ambry Genetics
Classification: Uncertain significance for Hereditary cancer-predisposing syndrome. Last evaluated: 2024-02-07. Review status: criteria provided, single submitter. Criteria: Ambry Variant Classification Scheme 2023. Collection method: clinical testing. Allele origin: germline.
Comment: The p.P591L variant (also known as c.1772C>T), located in coding exon 4 of the MSH6 gene, results from a C to T substitution at nucleotide position 1772. The proline at codon 591 is replaced by leucine, an amino acid with similar properties. This amino acid position is highly conserved in available vertebrate species. In addition, this alteration is predicted to be deleterious by in silico analysis. Based on the available evidence, the clinical significance of this alteration remains unclear.

Labcorp Genetics (formerly Invitae), Labcorp
Classification: Uncertain significance for Hereditary nonpolyposis colorectal neoplasms. Last evaluated: 2021-10-27. Review status: criteria provided, single submitter. Criteria: Invitae Variant Classification Sherloc (09022015). Collection method: clinical testing. Allele origin: germline.
Comment: Advanced modeling of protein sequence and biophysical properties (such as structural, functional, and spatial information, amino acid conservation, physicochemical variation, residue mobility, and thermodynamic stability) performed at Invitae indicates that this missense variant is expected to disrupt MSH6 protein function. ClinVar contains an entry for this variant (Variation ID: 653504). This variant has not been reported in the literature in individuals affected with MSH6-related conditions. This variant is not present in population databases (gnomAD no frequency). This sequence change replaces proline, which is neutral and non-polar, with leucine, which is neutral and non-polar, at codon 591 of the MSH6 protein (p.Pro591Leu). In summary, the available evidence is currently insufficient to determine the role of this variant in disease. Therefore, it has been classified as a Variant of Uncertain Significance.

Color Diagnostics, LLC DBA Color Health
Classification: Uncertain significance for Hereditary cancer-predisposing syndrome. Last evaluated: 2019-09-12. Review status: criteria provided, single submitter. Criteria: ACMG Guidelines, 2015. Collection method: clinical testing. Allele origin: germline.
Comment: This missense variant replaces proline with leucine at codon 591 of the MSH6 protein. Computational prediction tool suggests that this variant may have deleterious impact on protein structure and function (internally defined REVEL score threshold >= 0.7, PMID: 27666373). Splice site prediction tools suggest that this variant may not impact RNA splicing. To our knowledge, functional studies have not been performed for this variant. This variant has not been reported in individuals affected with hereditary cancer in the literature. This variant has not been identified in the general population by the Genome Aggregation Database (gnomAD). The available evidence is insufficient to determine the role of this variant in disease conclusively. Therefore, this variant is classified as a Variant of Uncertain Significance.